The following is an entry in ClinVar:

ClinVar aggregate classification (germline): Likely pathogenic (1 of 4 stars; one submission).

Submission:

Labcorp Genetics (formerly Invitae), Labcorp
Classification: Likely pathogenic. Last evaluated: 2022-12-04. Review status: criteria provided, single submitter. Criteria: Invitae Variant Classification Sherloc (09022015). Collection method: clinical testing. Allele origin: germline.
Comment: In summary, the currently available evidence indicates that the variant is pathogenic, but additional data are needed to prove that conclusively. Therefore, this variant has been classified as Likely Pathogenic. Algorithms developed to predict the effect of sequence changes on RNA splicing suggest that this variant may disrupt the consensus splice site. This variant has not been reported in the literature in individuals affected with ELP1-related conditions. This variant is not present in population databases (gnomAD no frequency). This sequence change affects a donor splice site in intron 23 of the ELP1 gene. It is expected to disrupt RNA splicing. Variants that disrupt the donor or acceptor splice site typically lead to a loss of protein function (PMID: 16199547), and loss-of-function variants in ELP1 are known to be pathogenic (PMID: 18303054, 24173031).

Literature cited by the submitters: PubMed 16199547; PubMed 18303054; PubMed 24173031.

NM_003640.5(ELP1):c.2501+2T>C

Gene: ELP1 (elongator acetyltransferase complex subunit 1; minus strand). Cytogenetic location: 9q31.3.
Variant type: single nucleotide variant.
Coding change: c.2501+2T>C on transcript NM_003640.5 (MANE Select); the canonical splice donor site of the intron after coding-DNA position 2501, T replaced by C.
Molecular consequence: splice donor variant.
Genome position (GRCh38, 1-based): chr9:108,897,146, A>G on the plus strand (T>C on the coding strand, the complement: ELP1 is on the minus strand). VCF-style: chr9-108897146-A-G. GRCh37 (hg19) VCF-style: chr9-111659426-A-G.
Other names: c.2159+2T>C (NM_001318360.2); c.1454+2T>C (NM_001330749.2).
Identifiers: ClinVar variation 2818452 (VCV002818452.3), dbSNP rs2537890934, ClinGen allele CA374420876.
Genomic context (GRCh38, chr9:108,897,146, plus strand): 5'-GGACAAGGACAACTACACACTTCGGTTTTTCAAAGGATGCCACCTGGTGACAGCATACAT[A>G]CTTATGAGGATTTATGCTCTCCATGACTGCTCTCATAGCATCGCAGACAAGGTCTATTTT-3'